The following is an entry in ClinVar:

ClinVar aggregate classification (germline): Uncertain significance (1 of 4 stars; one submission).

Allele frequency attached by ClinVar (database versions not stated): gnomAD 0.00001.
gnomAD v4.1: 1 of 1,013,678 alleles (0.000099%); highest among the groups gnomAD compares: Non-Finnish European, 0.00012%; no homozygotes.

Submission:

Labcorp Genetics (formerly Invitae), Labcorp
Classification: Uncertain significance. Last evaluated: 2022-01-31. Review status: criteria provided, single submitter. Criteria: Invitae Variant Classification Sherloc (09022015). Collection method: clinical testing. Allele origin: germline.
Comment: In summary, the available evidence is currently insufficient to determine the role of this variant in disease. Therefore, it has been classified as a Variant of Uncertain Significance. Experimental studies and prediction algorithms are not available or were not evaluated, and the functional significance of this variant is currently unknown. This variant has not been reported in the literature in individuals affected with PHIP-related conditions. The frequency data for this variant in the population databases is considered unreliable, as metrics indicate insufficient coverage at this position in the gnomAD database. This sequence change replaces glutamic acid, which is acidic and polar, with glutamine, which is neutral and polar, at codon 41 of the PHIP protein (p.Glu41Gln).

NM_017934.7(PHIP):c.121G>C (p.Glu41Gln)

Gene: PHIP (PHIP subunit of CUL4-Ring ligase complex; minus strand). Cytogenetic location: 6q14.1.
Variant type: single nucleotide variant.
Coding change: c.121G>C on transcript NM_017934.7 (MANE Select); coding-DNA position 121, G replaced by C.
Protein change: p.Glu41Gln; replaces glutamic acid 41 with glutamine.
Molecular consequence: missense variant.
Genome position (GRCh38, 1-based): chr6:79,077,708, C>G on the plus strand (G>C on the coding strand, the complement: PHIP is on the minus strand). VCF-style: chr6-79077708-C-G. GRCh37 (hg19) VCF-style: chr6-79787425-C-G.
Other names: short protein forms E41Q.
Identifiers: ClinVar variation 2181966 (VCV002181966.4), dbSNP rs1274563819, ClinGen allele CA364652457.
Genomic context (GRCh38, chr6:79,077,708, plus strand): 5'-CCCAGAGGCGGCCGCGCGGCGGCGGGACGCGCCGGGCCGCCGCCGCCCTTACCTCCTTCT[C>G]GGCCACCTCGCGGATCAGCACCTGCAACAACAAAGCGGGGAGAGCTGAGCCCCGCGCCCC-3'
Protein context (NP_060404.4, residues 31-51): AAQVLIREVA[Glu41Gln]KELLPRRTDW